The following is an entry in ClinVar:

ClinVar aggregate classification (germline): Uncertain significance (1 of 4 stars; one submission).

Conditions:
Alstrom syndrome (ALMS). Identifiers: Orphanet 64, MedGen C0268425, MONDO:0008763, OMIM 203800.

Allele frequency attached by ClinVar (database versions not stated): gnomAD 0.00001.
gnomAD v4.1: 5 of 1,614,016 alleles (0.00031%); highest among the groups gnomAD compares: East Asian, 0.011%; no homozygotes.

Submission:

Labcorp Genetics (formerly Invitae), Labcorp
Classification: Uncertain significance for Alstrom syndrome. Last evaluated: 2022-04-05. Review status: criteria provided, single submitter. Criteria: Invitae Variant Classification Sherloc (09022015). Collection method: clinical testing. Allele origin: germline.
Comment: This sequence change replaces histidine, which is basic and polar, with asparagine, which is neutral and polar, at codon 1069 of the ALMS1 protein (p.His1069Asn). This variant is not present in population databases (gnomAD no frequency). This variant has not been reported in the literature in individuals affected with ALMS1-related conditions. Experimental studies and prediction algorithms are not available or were not evaluated, and the functional significance of this variant is currently unknown. In summary, the available evidence is currently insufficient to determine the role of this variant in disease. Therefore, it has been classified as a Variant of Uncertain Significance.

NM_001378454.1(ALMS1):c.3202C>A (p.His1068Asn)

Gene: ALMS1 (ALMS1 centrosome and basal body associated protein; plus strand). Cytogenetic location: 2p13.1.
Variant type: single nucleotide variant.
Coding change: c.3202C>A on transcript NM_001378454.1 (MANE Select); coding-DNA position 3202, C replaced by A.
Protein change: p.His1068Asn; replaces histidine 1068 with asparagine.
Molecular consequence: missense variant.
Genome position (GRCh38, 1-based): chr2:73,449,729, C>A. VCF-style: chr2-73449729-C-A. GRCh37 (hg19) VCF-style: chr2-73676856-C-A.
Other names: c.3205C>A, p.His1069Asn (NM_015120.4); short protein forms H1068N, H1069N.
Identifiers: ClinVar variation 1952974 (VCV001952974.2), dbSNP rs757929301, ClinGen allele CA347274210.
Genomic context (GRCh38, chr2:73,449,729, plus strand): 5'-AGTTCTTACCCACAGAGGGAGAAGCCTAGTGTTTTGTACCCACAGGTGTTATCAGACAGT[C>A]ATCTACCTGAAGAGAGTCTGAAAGTTTCAGCCTTCCCTGGACCAGCTGACCAGATGACTG-3'
Protein context (NP_001365383.1, residues 1058-1078): VLYPQVLSDS[His1068Asn]LPEESLKVSA